The following is an entry in ClinVar:

NM_144573.4(NEXN):c.763G>A (p.Glu255Lys)

Gene: NEXN (nexilin F-actin binding protein; plus strand). Cytogenetic location: 1p31.1.
Variant type: single nucleotide variant.
Coding change: c.763G>A on transcript NM_144573.4 (MANE Select); coding-DNA position 763, G replaced by A.
Protein change: p.Glu255Lys; replaces glutamic acid 255 with lysine.
Molecular consequence: missense variant.
Genome position (GRCh38, 1-based): chr1:77,926,791, G>A. VCF-style: chr1-77926791-G-A. GRCh37 (hg19) VCF-style: chr1-78392476-G-A.
Other names: c.571G>A, p.Glu191Lys (NM_001172309.2); short protein forms E191K, E255K.
Identifiers: ClinVar variation 3354219 (VCV003354219.1).
Genomic context (GRCh38, chr1:77,926,791, plus strand): 5'-AGTGAAGCAAAAAAAGAATCACTTTCTCCCGGAAAATTGAAACTAACTTTTGAAGAACTG[G>A]AGCGACAAAGACAAGAAAACCGAAAGAAGCAAGCTGAAGAGGAAGCAAGAAAACGTTTAG-3'
Protein context (NP_653174.3, residues 245-265): GKLKLTFEEL[Glu255Lys]RQRQENRKKQ

ClinVar aggregate classification (germline): Uncertain significance (0 of 4 stars; one submission).

Conditions:
NEXN-related disorder. Also called: NEXN-related condition; NEXN-related disorders.

gnomAD v4.1: 2 of 1,613,740 alleles (0.00012%); highest among the groups gnomAD compares: Admixed American, 0.0017%; no homozygotes.

Submission:

PreventionGenetics, part of Exact Sciences
Classification: Uncertain significance for NEXN-related condition. Last evaluated: 2024-09-26. Review status: no assertion criteria provided. Collection method: clinical testing. Allele origin: germline.
Comment: The NEXN c.763G>A variant is predicted to result in the amino acid substitution p.Glu255Lys. To our knowledge, this variant has not been reported in the literature. This variant is reported in 0.0041% of alleles in individuals of African descent in gnomAD. At this time, the clinical significance of this variant is uncertain due to the absence of conclusive functional and genetic evidence.